The following is an entry in ClinVar:

ClinVar aggregate classification (germline): Conflicting classifications of pathogenicity. Review status: criteria provided, conflicting classifications (1 of 4 stars). 2 submissions from 2 submitters: Likely pathogenic (1); Uncertain significance (1). Last evaluated 2022-12-30.

Conditions:
Scoliosis. Identifiers: MedGen C0036439, MONDO:0005392, HP:0002650.

Allele frequency attached by ClinVar (database versions not stated): gnomAD 0.00002 and 0.00003; TOPMed 0.00003.

Submissions (2):

Labcorp Genetics (formerly Invitae), Labcorp
Classification: Uncertain significance. Last evaluated: 2022-12-30. Review status: criteria provided, single submitter. Criteria: Invitae Variant Classification Sherloc (09022015). Collection method: clinical testing. Allele origin: germline.
Comment: In summary, the available evidence is currently insufficient to determine the role of this variant in disease. Therefore, it has been classified as a Variant of Uncertain Significance. Advanced modeling of protein sequence and biophysical properties (such as structural, functional, and spatial information, amino acid conservation, physicochemical variation, residue mobility, and thermodynamic stability) performed at Invitae indicates that this missense variant is not expected to disrupt TBX6 protein function. ClinVar contains an entry for this variant (Variation ID: 694413). This missense change has been observed in individual(s) with TBX6‐associated congenital scoliosis (PMID: 31471994). This variant is present in population databases (rs756921502, gnomAD 0.03%). This sequence change replaces arginine, which is basic and polar, with histidine, which is basic and polar, at codon 378 of the TBX6 protein (p.Arg378His).

Beijing Key Laboratory for Genetic Research of Skeletal Deformity, Peking Union Medical College Hospital
Classification: Likely pathogenic for scoliosis. Last evaluated: 2019-08-01. Review status: criteria provided, single submitter. Criteria: ACMG Guidelines, 2015. Collection method: research. Allele origin: germline. Affected: yes. Observed: 1 variant allele.
Comment: This variant in trans with hypomorphic TBX6 allele may contribute to congenital scoliosis development

Literature cited by the submitters: PubMed 31471994 (cited by Labcorp Genetics (formerly Invitae), Labcorp); PubMed 25564734 (cited by Beijing Key Laboratory for Genetic Research of Skeletal Deformity, Peking Union Medical College Hospital).

NM_004608.4(TBX6):c.1133G>A (p.Arg378His)

Gene: TBX6 (T-box transcription factor 6; minus strand). Cytogenetic location: 16p11.2.
Variant type: single nucleotide variant.
Coding change: c.1133G>A on transcript NM_004608.4 (MANE Select); coding-DNA position 1133, G replaced by A.
Protein change: p.Arg378His; replaces arginine 378 with histidine.
Molecular consequence: missense variant.
Genome position (GRCh38, 1-based): chr16:30,086,403, C>T on the plus strand (G>A on the coding strand, the complement: TBX6 is on the minus strand). VCF-style: chr16-30086403-C-T. GRCh37 (hg19) VCF-style: chr16-30097724-C-T.
Other names: short protein forms R378H.
Identifiers: ClinVar variation 694413 (VCV000694413.4), dbSNP rs756921502, ClinGen allele CA8001664.
Genomic context (GRCh38, chr16:30,086,403, plus strand): 5'-TACCCGGAGCCCCCTGACCCGTGCGGCAGCTCCAGAAATGCAGCCGAGTAGGGGGCTGAG[C>T]GCCCGGAGTCTGGAGCCTCCGGGAAGCTGGGGCTCCTGACATGGAGAGAGGGATGTCAGA-3'
Protein context (NP_004599.2, residues 368-388): PSFPEAPDSG[Arg378His]SAPYSAAFLE